The following is an entry in ClinVar:

NM_006279.5(ST3GAL3):c.834G>C (p.Gln278His)

Gene: ST3GAL3 (ST3 beta-galactoside alpha-2,3-sialyltransferase 3; plus strand). Cytogenetic location: 1p34.1.
Variant type: single nucleotide variant.
Coding change: c.834G>C on transcript NM_006279.5 (MANE Select); coding-DNA position 834, G replaced by C.
Protein change: p.Gln278His; replaces glutamine 278 with histidine.
Molecular consequence: missense variant. On other transcripts: non-coding transcript variant (6), intron variant (11), splice acceptor variant (1).
Genome position (GRCh38, 1-based): chr1:43,920,493, G>C. VCF-style: chr1-43920493-G-C. GRCh37 (hg19) VCF-style: chr1-44386165-G-C.
Other names: c.741G>C, p.Gln247His (NM_001270460.2); c.879G>C, p.Gln293His (NM_001350619.2, NM_174964.4); c.834G>C, p.Gln278His (NM_001350620.2); c.555G>C, p.Gln185His (NM_001350621.2); c.786G>C, p.Gln262His (NM_001410781.1, NM_174969.4); c.1041G>C, p.Gln347His (NM_174963.5); c.996G>C, p.Gln332His (NM_174968.5); c.948G>C, p.Gln316His (NM_174971.5); and 13 more; short protein forms Q278H, Q347H, Q247H, Q332H, Q316H, Q185H, Q262H, Q293H.
Identifiers: ClinVar variation 502455 (VCV000502455.12), dbSNP rs761308496, ClinGen allele CA814823.

ClinVar aggregate classification (germline): Uncertain significance. Review status: criteria provided, multiple submitters, no conflicts (2 of 4 stars). 3 submissions from 3 submitters: Uncertain significance (3). Last evaluated 2025-12-16.

Conditions:
Early-infantile DEE. Also called: Ohtahara syndrome; Early infantile epileptic encephalopathy with suppression bursts; Early infantile epileptic encephalopathy. Identifiers: Orphanet 1934, MedGen C0393706, MONDO:0800491.
Inborn genetic diseases. Identifiers: MedGen C0950123, MeSH D030342.

Allele frequency attached by ClinVar (database versions not stated): gnomAD 0.00001; gnomAD exomes 0.00001 and 0.00002; ExAC 0.00002; TOPMed 0.00002.
gnomAD v4.1: 29 of 1,614,058 alleles (0.0018%); highest among the groups gnomAD compares: Non-Finnish European, 0.0023%; no homozygotes.

Submissions (3):

Ambry Genetics
Classification: Uncertain significance for Inborn genetic diseases. Last evaluated: 2025-12-16. Review status: criteria provided, single submitter. Criteria: Ambry Variant Classification Scheme 2023. Collection method: clinical testing. Allele origin: germline.

Labcorp Genetics (formerly Invitae), Labcorp
Classification: Uncertain significance for Early-infantile DEE. Last evaluated: 2022-03-31. Review status: criteria provided, single submitter. Criteria: Invitae Variant Classification Sherloc (09022015). Collection method: clinical testing. Allele origin: germline.
Comment: In summary, the available evidence is currently insufficient to determine the role of this variant in disease. Therefore, it has been classified as a Variant of Uncertain Significance. Algorithms developed to predict the effect of missense changes on protein structure and function are either unavailable or do not agree on the potential impact of this missense change (SIFT: "Tolerated"; PolyPhen-2: "Possibly Damaging"; Align-GVGD: "Class C0"). ClinVar contains an entry for this variant (Variation ID: 502455). This variant has not been reported in the literature in individuals affected with ST3GAL3-related conditions. This variant is present in population databases (rs761308496, gnomAD 0.003%). This sequence change replaces glutamine, which is neutral and polar, with histidine, which is basic and polar, at codon 278 of the ST3GAL3 protein (p.Gln278His).

Eurofins Ntd Llc (ga)
Classification: Uncertain significance. Last evaluated: 2017-06-19. Review status: criteria provided, single submitter. Criteria: EGL Classification Definitions 2015. Collection method: clinical testing. Allele origin: germline. Observed: 1 variant allele, 1 heterozygote.